The following is an entry in ClinVar:

ClinVar aggregate classification (germline): Uncertain significance (1 of 4 stars; one submission).

Conditions:
Exostoses, multiple, type 2 (EXT2). Also called: Hereditary Multiple Osteochondromatosis, Type II; EXOSTOSES, MULTIPLE, TYPE II. Identifiers: Orphanet 321, MedGen C1851413, MONDO:0007586, OMIM 133701.

Allele frequency attached by ClinVar (database versions not stated): gnomAD exomes below 0.00001; TOPMed below 0.00001.
gnomAD v4.1: 6 of 1,614,174 alleles (0.00037%); highest among the groups gnomAD compares: Non-Finnish European, 0.00042%; no homozygotes.

Submission:

Labcorp Genetics (formerly Invitae), Labcorp
Classification: Uncertain significance for Exostoses, multiple, type 2. Last evaluated: 2023-06-21. Review status: criteria provided, single submitter. Criteria: Invitae Variant Classification Sherloc (09022015). Collection method: clinical testing. Allele origin: germline.
Comment: This variant has not been reported in the literature in individuals affected with EXT2-related conditions. This variant is not present in population databases (gnomAD no frequency). Advanced modeling of protein sequence and biophysical properties (such as structural, functional, and spatial information, amino acid conservation, physicochemical variation, residue mobility, and thermodynamic stability) performed at Invitae indicates that this missense variant is expected to disrupt EXT2 protein function. In summary, the available evidence is currently insufficient to determine the role of this variant in disease. Therefore, it has been classified as a Variant of Uncertain Significance. This sequence change replaces isoleucine, which is neutral and non-polar, with threonine, which is neutral and polar, at codon 137 of the EXT2 protein (p.Ile137Thr).

NM_207122.2(EXT2):c.410T>C (p.Ile137Thr)

Gene: EXT2 (exostosin glycosyltransferase 2; plus strand). Cytogenetic location: 11p11.2.
Variant type: single nucleotide variant.
Coding change: c.410T>C on transcript NM_207122.2 (MANE Select); coding-DNA position 410, T replaced by C.
Protein change: p.Ile137Thr; replaces isoleucine 137 with threonine.
Molecular consequence: missense variant.
Genome position (GRCh38, 1-based): chr11:44,108,122, T>C. VCF-style: chr11-44108122-T-C. GRCh37 (hg19) VCF-style: chr11-44129672-T-C.
Other names: c.509T>C, p.Ile170Thr (NM_000401.3); c.410T>C, p.Ile137Thr (NM_001178083.3, NM_001389628.1, NM_001389630.1); short protein forms I137T, I170T.
Identifiers: ClinVar variation 2905269 (VCV002905269.3), dbSNP rs1266998683, ClinGen allele CA380180291.